The following is an entry in ClinVar:

NM_001744.6(CAMK4):c.833G>C (p.Arg278Thr)

Gene: CAMK4 (calcium/calmodulin dependent protein kinase IV; plus strand). Cytogenetic location: 5q22.1.
Variant type: single nucleotide variant.
Coding change: c.833G>C on transcript NM_001744.6 (MANE Select); coding-DNA position 833, G replaced by C.
Protein change: p.Arg278Thr; replaces arginine 278 with threonine.
Molecular consequence: missense variant.
Genome position (GRCh38, 1-based): chr5:111,482,789, G>C. VCF-style: chr5-111482789-G-C. GRCh37 (hg19) VCF-style: chr5-110818487-G-C.
Other names: c.833G>C, p.Arg278Thr (NM_001323374.2, NM_001323375.2); c.242G>C, p.Arg81Thr (NM_001323376.2, NM_001323377.2); short protein forms R81T, R278T.
Identifiers: ClinVar variation 3731005 (VCV003731005.1).
Genomic context (GRCh38, chr5:111,482,789, plus strand): 5'-GCAAGCCCAGGTCATCCTAAAAACCTCGCTAAGTTTATGGTTCTTTATTATTTCAGGTCA[G>C]AAAATTAATTGTTTTGGATCCAAAGAAACGGCTGACTACATTTCAAGCTCTCCAGCATCC-3'
Protein context (NP_001735.1, residues 268-288): EVSLNAKDLV[Arg278Thr]KLIVLDPKKR

ClinVar aggregate classification (germline): Uncertain significance (1 of 4 stars; one submission).

Submission:

GeneDx
Classification: Uncertain significance. Last evaluated: 2024-08-14. Review status: criteria provided, single submitter. Criteria: GeneDx Variant Classification Process June 2021. Collection method: clinical testing. Allele origin: germline. Affected: yes.
Comment: Not observed at significant frequency in large population cohorts (gnomAD); In silico analysis supports that this missense variant has a deleterious effect on protein structure/function; Has not been previously published as pathogenic or benign to our knowledge